The following is an entry in ClinVar:

NM_005560.6(LAMA5):c.6944C>T (p.Thr2315Ile)

Gene: LAMA5 (laminin subunit alpha 5; minus strand). Cytogenetic location: 20q13.33.
Variant type: single nucleotide variant.
Coding change: c.6944C>T on transcript NM_005560.6 (MANE Select); coding-DNA position 6944, C replaced by T.
Protein change: p.Thr2315Ile; replaces threonine 2315 with isoleucine.
Molecular consequence: missense variant.
Genome position (GRCh38, 1-based): chr20:62,318,941, G>A on the plus strand (C>T on the coding strand, the complement: LAMA5 is on the minus strand). VCF-style: chr20-62318941-G-A. GRCh37 (hg19) VCF-style: chr20-60893997-G-A.
Other names: c.6944C>T (NM_005560.3); short protein forms T2315I.
Identifiers: ClinVar variation 1908551 (VCV001908551.5), dbSNP rs550786315, ClinGen allele CA9941490.

ClinVar aggregate classification (germline): Uncertain significance. Review status: criteria provided, multiple submitters, no conflicts (2 of 4 stars). 2 submissions from 2 submitters: Uncertain significance (2). Last evaluated 2025-12-16.

Conditions:
Inborn genetic diseases. Identifiers: MedGen C0950123, MeSH D030342.

Allele frequency attached by ClinVar (database versions not stated): gnomAD exomes 0.00001; gnomAD 0.00002; TOPMed 0.00003; ExAC 0.00013; 1000 Genomes Project 30x 0.00016; 1000 Genomes Project 0.00020.
gnomAD v4.1: 21 of 1,598,104 alleles (0.0013%); highest among the groups gnomAD compares: East Asian, 0.029%; no homozygotes.

Submissions (2):

Ambry Genetics
Classification: Uncertain significance for Inborn genetic diseases. Last evaluated: 2025-12-16. Review status: criteria provided, single submitter. Criteria: Ambry Variant Classification Scheme 2023. Collection method: clinical testing. Allele origin: germline.

Labcorp Genetics (formerly Invitae), Labcorp
Classification: Uncertain significance. Last evaluated: 2024-06-03. Review status: criteria provided, single submitter. Criteria: Invitae Variant Classification Sherloc (09022015). Collection method: clinical testing. Allele origin: germline.
Comment: This sequence change replaces threonine, which is neutral and polar, with isoleucine, which is neutral and non-polar, at codon 2315 of the LAMA5 protein (p.Thr2315Ile). This variant is present in population databases (rs550786315, gnomAD 0.07%). This variant has not been reported in the literature in individuals affected with LAMA5-related conditions. ClinVar contains an entry for this variant (Variation ID: 1908551). Advanced modeling of protein sequence and biophysical properties (such as structural, functional, and spatial information, amino acid conservation, physicochemical variation, residue mobility, and thermodynamic stability) performed at Invitae indicates that this missense variant is not expected to disrupt LAMA5 protein function with a negative predictive value of 80%. In summary, the available evidence is currently insufficient to determine the role of this variant in disease. Therefore, it has been classified as a Variant of Uncertain Significance.